The following is an entry in ClinVar:

NM_004935.4(CDK5):c.688A>G (p.Met230Val)

Gene: CDK5 (cyclin dependent kinase 5; minus strand). Cytogenetic location: 7q36.1.
Variant type: single nucleotide variant.
Coding change: c.688A>G on transcript NM_004935.4 (MANE Select); coding-DNA position 688, A replaced by G.
Protein change: p.Met230Val; replaces methionine 230 with valine.
Molecular consequence: missense variant.
Genome position (GRCh38, 1-based): chr7:151,054,428, T>C on the plus strand (A>G on the coding strand, the complement: CDK5 is on the minus strand). VCF-style: chr7-151054428-T-C. GRCh37 (hg19) VCF-style: chr7-150751515-T-C.
Other names: c.592A>G, p.Met198Val (NM_001164410.3); c.688A>G (NM_004935.3); short protein forms M198V, M230V.
Identifiers: ClinVar variation 2085327 (VCV002085327.6), dbSNP rs749880275, ClinGen allele CA4570405.
Genomic context (GRCh38, chr7:151,054,428, plus strand): 5'-CCCTGATGAACCATGACCCCCACATTCCCCATCACACCTTATAGTCTGGCAGCTTGGTCA[T>C]AGAGGGCCACTGCTCCTCGGTGGGCGTCCCCAGCAGTGTGTCCACGGAGTCAAGGATCAC-3'
Protein context (NP_004926.1, residues 220-240): GTPTEEQWPS[Met230Val]TKLPDYKPYP

ClinVar aggregate classification (germline): Uncertain significance. Review status: criteria provided, multiple submitters, no conflicts (2 of 4 stars). 2 submissions from 2 submitters: Uncertain significance (2). Last evaluated 2023-08-31.

Allele frequency attached by ClinVar (database versions not stated): ExAC 0.00001; gnomAD 0.00001; TOPMed 0.00001; gnomAD exomes 0.00004; 1000 Genomes Project 30x 0.00016.

Submissions (2):

Ambry Genetics
Classification: Uncertain significance. Last evaluated: 2023-08-31. Review status: criteria provided, single submitter. Criteria: Ambry Variant Classification Scheme 2023. Collection method: clinical testing. Allele origin: germline.

Labcorp Genetics (formerly Invitae), Labcorp
Classification: Uncertain significance. Last evaluated: 2022-06-24. Review status: criteria provided, single submitter. Criteria: Invitae Variant Classification Sherloc (09022015). Collection method: clinical testing. Allele origin: germline.
Comment: In summary, the available evidence is currently insufficient to determine the role of this variant in disease. Therefore, it has been classified as a Variant of Uncertain Significance. Algorithms developed to predict the effect of missense changes on protein structure and function (SIFT, PolyPhen-2, Align-GVGD) all suggest that this variant is likely to be tolerated. This variant has not been reported in the literature in individuals affected with CDK5-related conditions. This variant is present in population databases (rs749880275, gnomAD 0.003%). This sequence change replaces methionine, which is neutral and non-polar, with valine, which is neutral and non-polar, at codon 230 of the CDK5 protein (p.Met230Val).